The following is an entry in ClinVar:

NM_006846.4(SPINK5):c.2313+31C>G

Gene: SPINK5 (serine peptidase inhibitor Kazal type 5; plus strand). Cytogenetic location: 5q32.
Variant type: single nucleotide variant.
Coding change: c.2313+31C>G on transcript NM_006846.4 (MANE Select); 31 bases into the intron after coding-DNA position 2313, C replaced by G.
Molecular consequence: intron variant.
Genome position (GRCh38, 1-based): chr5:148,119,089, C>G. VCF-style: chr5-148119089-C-G. GRCh37 (hg19) VCF-style: chr5-147498652-C-G.
Other names: c.2313+31C>G (NM_001127698.2, NM_001127699.2).
Identifiers: ClinVar variation 1182656 (VCV001182656.6), dbSNP rs9325073, ClinGen allele CA3495946.
Genomic context (GRCh38, chr5:148,119,089, plus strand): 5'-TCAAATGGGACTGGATCAGAATCAGGGAAGGTGAGTTATTTTTTGGGTTTTGGCAAGAAT[C>G]GTCTTTCTGTGAGTCAGCAGTTGGCGATCAAAACTATAGAAGAAGGTGTCAACATGATCA-3'

ClinVar aggregate classification (germline): Benign. Review status: criteria provided, multiple submitters, no conflicts (2 of 4 stars). 3 submissions from 3 submitters: Benign (3). Last evaluated 2024-01-24.

Conditions:
Netherton syndrome (NETH). Also called: ERYTHRODERMA, ICHTHYOSIFORM, WITH HYPOTRICHOSIS AND HYPER-IgE; COMEL-NETHERTON SYNDROME; NETHERTON DISEASE. Identifiers: Orphanet 634, MedGen C5574950, MONDO:0009735, OMIM 256500.

Allele frequency attached by ClinVar (database versions not stated): ESP Exome Variant Server 0.77459; TOPMed 0.79742; 1000 Genomes Project 0.83786; 1000 Genomes Project 30x 0.83979.
gnomAD v4.1: 1,234,251 of 1,603,952 alleles (77%); highest among the groups gnomAD compares: East Asian, 91%; 476,989 homozygotes.

Submissions (3):

Unidad de Genómica Garrahan, Hospital de Pediatría Garrahan
Classification: Benign. Last evaluated: 2024-01-24. Review status: criteria provided, single submitter. Criteria: ACMG Guidelines, 2015. Collection method: clinical testing. Allele origin: germline. Affected: no. Observed: 85 variant alleles.
Comment: This variant is classified as Benign based on local population frequency. This variant was detected in 97% of patients studied by a panel of primary immunodeficiencies. Number of patients: 85. Only high quality variants are reported.

Genome-Nilou Lab
Classification: Benign for Netherton syndrome. Last evaluated: 2021-07-15. Review status: criteria provided, single submitter. Criteria: ACMG Guidelines, 2015. Collection method: clinical testing. Allele origin: germline. Affected: no.

GeneDx
Classification: Benign. Last evaluated: 2015-03-03. Review status: criteria provided, single submitter. Criteria: GeneDx Variant Classification Process June 2021. Collection method: clinical testing. Allele origin: germline. Affected: yes.